The following is an entry in ClinVar:

NM_000439.5(PCSK1):c.1072G>A (p.Gly358Arg)

Genes: CAST (calpastatin; plus strand), PCSK1 (proprotein convertase subtilisin/kexin type 1; minus strand), LOC101929710 (uncharacterized LOC101929710; plus strand). Cytogenetic location: 5q15.
Variant type: single nucleotide variant.
Coding change: c.1072G>A on transcript NM_000439.5 (MANE Select); coding-DNA position 1072, G replaced by A.
Protein change: p.Gly358Arg; replaces glycine 358 with arginine.
Molecular consequence: missense variant. On other transcripts: intron variant (11).
Genome position (GRCh38, 1-based): chr5:96,410,797, C>T on the plus strand (G>A on the coding strand, the complement: PCSK1 is on the minus strand). VCF-style: chr5-96410797-C-T. GRCh37 (hg19) VCF-style: chr5-95746501-C-T.
Other names: c.-175+31145C>T (NM_001423252.1, NM_001423257.1, NM_001423260.1 and 6 more transcripts); c.931G>A, p.Gly311Arg (NM_001177875.2); c.-103+31145C>T (NM_001423253.1); c.-40+31145C>T (NM_001423258.1); short protein forms G311R, G358R.
Identifiers: ClinVar variation 4971538 (VCV004971538.2).

ClinVar aggregate classification (germline): Conflicting classifications of pathogenicity. Review status: criteria provided, conflicting classifications (1 of 4 stars). 2 submissions from 2 submitters: Likely pathogenic (1); Uncertain significance (1). Last evaluated 2025-04-10.

Conditions:
PCSK1-related disorder. Also called: PCSK1-related condition.

gnomAD v4.1: 7 of 1,613,972 alleles (0.00043%); highest among the groups gnomAD compares: South Asian, 0.0011%; no homozygotes.

Submissions (2):

PreventionGenetics, part of Exact Sciences
Classification: Likely pathogenic for PCSK1-related condition. Last evaluated: 2025-04-10. Review status: criteria provided, single submitter. Criteria: ACMG Guidelines, 2015. Collection method: clinical testing. Allele origin: germline.
Comment: The PCSK1 c.1072G>A variant is predicted to result in the amino acid substitution p.Gly358Arg. This variant has been observed in a cohort of obese individuals, and in vitro functional studies show strong evidence of loss of function (Supplemental Data Set, Shah et al. 2023, PubMed ID: 36864747). This variant is reported in 0.0018% of alleles in individuals of European (non-Finnish) descent in gnomAD. This variant is interpreted as likely pathogenic.

Blueprint Genetics
Classification: Uncertain significance. Last evaluated: 2024-06-28. Review status: criteria provided, single submitter. Criteria: ACMG Guidelines, 2015. Collection method: clinical testing. Allele origin: germline.